The following is an entry in ClinVar:

NM_001378454.1(ALMS1):c.6079A>G (p.Ile2027Val)

Gene: ALMS1 (ALMS1 centrosome and basal body associated protein; plus strand). Cytogenetic location: 2p13.1.
Variant type: single nucleotide variant.
Coding change: c.6079A>G on transcript NM_001378454.1 (MANE Select); coding-DNA position 6079, A replaced by G.
Protein change: p.Ile2027Val; replaces isoleucine 2027 with valine.
Molecular consequence: missense variant.
Genome position (GRCh38, 1-based): chr2:73,452,606, A>G. VCF-style: chr2-73452606-A-G. GRCh37 (hg19) VCF-style: chr2-73679733-A-G.
Other names: c.6082A>G, p.Ile2028Val (NM_015120.4); short protein forms I2027V, I2028V.
Identifiers: ClinVar variation 2634927 (VCV002634927.1), dbSNP rs2466107770, ClinGen allele CA347284765.

ClinVar aggregate classification (germline): Uncertain significance (1 of 4 stars; one submission).

Conditions:
ALMS1-related disorder. Also called: ALMS1-related condition.

Submission:

PreventionGenetics, part of Exact Sciences
Classification: Uncertain significance for ALMS1-related condition. Last evaluated: 2023-07-12. Review status: criteria provided, single submitter. Criteria: ACMG Guidelines, 2015. Collection method: clinical testing. Allele origin: germline.
Comment: The ALMS1 c.6082A>G variant is predicted to result in the amino acid substitution p.Thr2028Ala. This variant has been reported in an individual with dilated cardiomyopathy phenotype who was also positive for several other variants in genes also relevant to cardiac function phenotypes (Sanoudou et al. 2015. PubMed ID: 26535225). This variant is reported in 0.017% of alleles in individuals of East Asian descent in gnomAD. At this time, the clinical significance of this variant is uncertain due to the absence of conclusive functional and genetic evidence.